The following is an entry in ClinVar:

ClinVar aggregate classification (germline): Uncertain significance (1 of 4 stars; one submission).

Conditions:
Evans syndrome, immunodeficiency, and premature immunosenescence associated with tripeptidyl-peptidase II deficiency. Identifiers: MedGen CN231723. Disease mechanism: loss of function.

gnomAD v4.1: 3 of 1,613,688 alleles (0.00019%); highest among the groups gnomAD compares: Non-Finnish European, 0.00025%; no homozygotes.

Submission:

Labcorp Genetics (formerly Invitae), Labcorp
Classification: Uncertain significance for Evans syndrome, immunodeficiency, and premature immunosenescence associated with tripeptidyl-peptidase II deficiency. Last evaluated: 2025-09-01. Review status: criteria provided, single submitter. Criteria: Invitae Variant Classification Sherloc (09022015). Collection method: clinical testing. Allele origin: germline.
Comment: This sequence change replaces alanine, which is neutral and non-polar, with valine, which is neutral and non-polar, at codon 1091 of the TPP2 protein (p.Ala1091Val). This variant is not present in population databases (gnomAD no frequency). This variant has not been reported in the literature in individuals affected with TPP2-related conditions. An algorithm developed to predict the effect of missense changes on protein structure and function (PolyPhen-2) suggests that this variant is likely to be tolerated. In summary, the available evidence is currently insufficient to determine the role of this variant in disease. Therefore, it has been classified as a Variant of Uncertain Significance.

NM_001330588.2(TPP2):c.3311C>T (p.Ala1104Val)

Gene: TPP2 (tripeptidyl peptidase 2; plus strand). Cytogenetic location: 13q33.1.
Variant type: single nucleotide variant.
Coding change: c.3311C>T on transcript NM_001330588.2 (MANE Select); coding-DNA position 3311, C replaced by T.
Protein change: p.Ala1104Val; replaces alanine 1104 with valine.
Molecular consequence: missense variant. On other transcripts: non-coding transcript variant (1).
Genome position (GRCh38, 1-based): chr13:102,664,865, C>T. VCF-style: chr13-102664865-C-T. GRCh37 (hg19) VCF-style: chr13-103317215-C-T.
Other names: c.3272C>T, p.Ala1091Val (NM_001367947.1, NM_003291.4); short protein forms A1091V, A1104V.
Identifiers: ClinVar variation 4806752 (VCV004806752.1).